The following is an entry in ClinVar:

NM_004360.5(CDH1):c.612C>T (p.Val204=)

Gene: CDH1 (cadherin 1; plus strand). Cytogenetic location: 16q22.1.
Variant type: single nucleotide variant.
Coding change: c.612C>T on transcript NM_004360.5 (MANE Select); coding-DNA position 612, C replaced by T.
Protein change: p.Val204=; no amino-acid change (valine 204 retained).
Molecular consequence: synonymous variant. On other transcripts: 5 prime UTR variant (2).
Genome position (GRCh38, 1-based): chr16:68,808,773, C>T. VCF-style: chr16-68808773-C-T. GRCh37 (hg19) VCF-style: chr16-68842676-C-T.
Other names: c.612C>T (LRG_301t1, NM_004360.4); c.612C>T, p.Val204= (NM_001317184.2); c.-1004C>T (NM_001317185.2); c.-1208C>T (NM_001317186.2).
Identifiers: ClinVar variation 483240 (VCV000483240.18), dbSNP rs1555515273, ClinGen allele CA496392394.

ClinVar aggregate classification (germline): Benign/Likely benign. Review status: criteria provided, multiple submitters, no conflicts (2 of 4 stars). 4 submissions from 4 submitters: Benign (1); Likely benign (3). Last evaluated 2025-10-22.

Conditions:
Hereditary cancer-predisposing syndrome. Also called: Hereditary neoplastic syndrome; Neoplastic Syndromes, Hereditary; Tumor predisposition; Hereditary Cancer Syndrome. Identifiers: Orphanet 140162, MedGen C0027672, MeSH D009386, MONDO:0015356.
Hereditary diffuse gastric adenocarcinoma (HDGC). Also called: DIFFUSE GASTRIC AND LOBULAR BREAST CANCER SYNDROME. Identifiers: Orphanet 26106, MedGen C1708349, MONDO:0007648, OMIM 137215.

Submissions (4):

Labcorp Genetics (formerly Invitae), Labcorp
Classification: Likely benign for Hereditary diffuse gastric adenocarcinoma. Last evaluated: 2025-10-22. Review status: criteria provided, single submitter. Criteria: Invitae Variant Classification Sherloc (09022015). Collection method: clinical testing. Allele origin: germline.

Myriad Genetics, Inc.
Classification: Benign for Hereditary diffuse gastric adenocarcinoma. Last evaluated: 2024-09-13. Review status: criteria provided, single submitter. Criteria: Myriad Autosomal Dominant, Autosomal Recessive and X-Linked Classification Criteria (2023). Collection method: clinical testing. Allele origin: unknown.
Comment: This variant is considered benign. This variant is a silent/synonymous amino acid change and it is not expected to impact splicing.

Quest Diagnostics Nichols Institute San Juan Capistrano
Classification: Likely benign. Last evaluated: 2023-02-07. Review status: criteria provided, single submitter. Criteria: Quest Diagnostics criteria. Collection method: clinical testing. Allele origin: unknown.

Ambry Genetics
Classification: Likely benign for Hereditary cancer-predisposing syndrome. Last evaluated: 2016-08-09. Review status: criteria provided, single submitter. Criteria: Ambry Variant Classification Scheme 2023. Collection method: clinical testing. Allele origin: germline.